The following is an entry in ClinVar:

NM_001256789.3(CACNA1F):c.2310T>A (p.Asp770Glu)

Gene: CACNA1F (calcium voltage-gated channel subunit alpha1 F; minus strand). Cytogenetic location: Xp11.23.
Variant type: single nucleotide variant.
Coding change: c.2310T>A on transcript NM_001256789.3 (MANE Select); coding-DNA position 2310, T replaced by A.
Protein change: p.Asp770Glu; replaces aspartic acid 770 with glutamic acid.
Molecular consequence: missense variant.
Genome position (GRCh38, 1-based): chrX:49,221,059, A>T on the plus strand (T>A on the coding strand, the complement: CACNA1F is on the minus strand). VCF-style: chrX-49221059-A-T. GRCh37 (hg19) VCF-style: chrX-49077518-A-T.
Other names: c.2148T>A, p.Asp716Glu (NM_001256790.3); c.2343T>A, p.Asp781Glu (NM_005183.4); short protein forms D770E, D781E, D716E.
Identifiers: ClinVar variation 1359005 (VCV001359005.7), dbSNP rs1557108683, ClinGen allele CA412908854.
Genomic context (GRCh38, chrX:49,221,059, plus strand): 5'-TGGGAGGTGTAGACAGTGCCCAGGCATCTAACTCACCAGGCCTTCATTCTCCTGTGGGAG[A>T]TCCTTCTCATTGCTCTTCTCCCTGTGCGAGGAAATAGGGGTGATTGCTGCAGATGGGCTA-3'
Protein context (NP_001243718.1, residues 760-780): DKGGEKSNEK[Asp770Glu]LPQENEGLVP

ClinVar aggregate classification (germline): Uncertain significance. Review status: criteria provided, multiple submitters, no conflicts (2 of 4 stars). 2 submissions from 2 submitters: Uncertain significance (2). Last evaluated 2024-04-30.

gnomAD v4.1: 3 of 1,209,177 alleles (0.00025%); highest among the groups gnomAD compares: Admixed American, 0.0065%; no homozygotes.

Submissions (2):

Labcorp Genetics (formerly Invitae), Labcorp
Classification: Uncertain significance. Last evaluated: 2024-04-30. Review status: criteria provided, single submitter. Criteria: Invitae Variant Classification Sherloc (09022015). Collection method: clinical testing. Allele origin: germline.
Comment: This sequence change replaces aspartic acid, which is acidic and polar, with glutamic acid, which is acidic and polar, at codon 781 of the CACNA1F protein (p.Asp781Glu). This variant is present in population databases (no rsID available, gnomAD 0.008%). This variant has not been reported in the literature in individuals affected with CACNA1F-related conditions. ClinVar contains an entry for this variant (Variation ID: 1359005). Advanced modeling of protein sequence and biophysical properties (such as structural, functional, and spatial information, amino acid conservation, physicochemical variation, residue mobility, and thermodynamic stability) performed at Invitae indicates that this missense variant is not expected to disrupt CACNA1F protein function with a negative predictive value of 80%. In summary, the available evidence is currently insufficient to determine the role of this variant in disease. Therefore, it has been classified as a Variant of Uncertain Significance.

Blueprint Genetics
Classification: Uncertain significance. Last evaluated: 2022-03-21. Review status: criteria provided, single submitter. Criteria: ACMG Guidelines, 2015. Collection method: clinical testing. Allele origin: germline.